The following is an entry in ClinVar:

ClinVar aggregate classification (germline): Uncertain significance. Review status: criteria provided, multiple submitters, no conflicts (2 of 4 stars). 2 submissions from 2 submitters: Uncertain significance (2). Last evaluated 2025-08-08.

Allele frequency attached by ClinVar (database versions not stated): gnomAD exomes 0.00002 and 0.00003; ExAC 0.00003; gnomAD 0.00009; TOPMed 0.00015; 1000 Genomes Project 30x 0.00016; 1000 Genomes Project 0.00020.
gnomAD v4.1: 41 of 1,605,496 alleles (0.0026%); highest among the groups gnomAD compares: African/African-American, 0.032%; no homozygotes.

Submissions (2):

Labcorp Genetics (formerly Invitae), Labcorp
Classification: Uncertain significance. Last evaluated: 2025-08-08. Review status: criteria provided, single submitter. Criteria: Invitae Variant Classification Sherloc (09022015). Collection method: clinical testing. Allele origin: germline.
Comment: This sequence change replaces arginine, which is basic and polar, with glutamine, which is neutral and polar, at codon 256 of the IL12RB2 protein (p.Arg256Gln). This variant is present in population databases (rs185002143, gnomAD 0.03%). This variant has not been reported in the literature in individuals affected with IL12RB2-related conditions. ClinVar contains an entry for this variant (Variation ID: 1350895). An algorithm developed to predict the effect of missense changes on protein structure and function outputs the following: PolyPhen-2: "Benign". The glutamine amino acid residue is found in multiple mammalian species, which suggests that this missense change does not adversely affect protein function. In summary, the available evidence is currently insufficient to determine the role of this variant in disease. Therefore, it has been classified as a Variant of Uncertain Significance.

Ambry Genetics
Classification: Uncertain significance. Last evaluated: 2023-12-26. Review status: criteria provided, single submitter. Criteria: Ambry Variant Classification Scheme 2023. Collection method: clinical testing. Allele origin: germline.

NM_001374259.2(IL12RB2):c.767G>A (p.Arg256Gln)

Gene: IL12RB2 (interleukin 12 receptor subunit beta 2; plus strand). Cytogenetic location: 1p31.3.
Variant type: single nucleotide variant.
Coding change: c.767G>A on transcript NM_001374259.2 (MANE Select); coding-DNA position 767, G replaced by A.
Protein change: p.Arg256Gln; replaces arginine 256 with glutamine.
Molecular consequence: missense variant. On other transcripts: non-coding transcript variant (2).
Genome position (GRCh38, 1-based): chr1:67,329,689, G>A. VCF-style: chr1-67329689-G-A. GRCh37 (hg19) VCF-style: chr1-67795372-G-A.
Other names: c.767G>A (NM_001559.2); c.767G>A, p.Arg256Gln (NM_001258214.1, NM_001258215.1, NM_001258216.1 and 2 more transcripts); short protein forms R256Q.
Identifiers: ClinVar variation 1350895 (VCV001350895.7), dbSNP rs185002143, ClinGen allele CA900284.